The following is an entry in ClinVar:

ClinVar aggregate classification (germline): Uncertain significance (1 of 4 stars; one submission).

Allele frequency attached by ClinVar (database versions not stated): gnomAD exomes below 0.00001; gnomAD 0.00001; TOPMed 0.00001.
gnomAD v4.1: 7 of 1,610,670 alleles (0.00043%); highest among the groups gnomAD compares: African/African-American, 0.0013%; no homozygotes.

Submissions (2):

Labcorp Genetics (formerly Invitae), Labcorp
Classification: Uncertain significance. Last evaluated: 2024-10-29. Review status: criteria provided, single submitter. Criteria: Invitae Variant Classification Sherloc (09022015). Collection method: clinical testing. Allele origin: germline.
Comment: This sequence change affects codon 828 of the COPB2 mRNA. It is a 'silent' change, meaning that it does not change the encoded amino acid sequence of the COPB2 protein. This variant also falls at the last nucleotide of exon 19, which is part of the consensus splice site for this exon. This variant is present in population databases (no rsID available, gnomAD 0.0009%). This variant has not been reported in the literature in individuals affected with COPB2-related conditions. ClinVar contains an entry for this variant (Variation ID: 1363289). Variants that disrupt the consensus splice site are a relatively common cause of aberrant splicing (PMID: 17576681, 9536098). Algorithms developed to predict the effect of sequence changes on RNA splicing suggest that this variant may disrupt the consensus splice site. In summary, the available evidence is currently insufficient to determine the role of this variant in disease. Therefore, it has been classified as a Variant of Uncertain Significance.

Dr. Peter K. Rogan Lab, Western University
No classification provided (evidence only). Condition: Squamous cell lung carcinoma. Review status: no classification provided. Collection method: in vitro. Allele origin: not applicable. Functional consequence: skipped exon, retained intron. Not counted in ClinVar's aggregate classification.

Literature cited by the submitters: PubMed 17576681 (cited by Labcorp Genetics (formerly Invitae), Labcorp); PubMed 9536098 (cited by Labcorp Genetics (formerly Invitae), Labcorp).

NM_004766.3(COPB2):c.2484G>A (p.Thr828=)

Gene: COPB2 (coat protein complex I subunit beta 2; minus strand). Cytogenetic location: 3q23.
Variant type: single nucleotide variant.
Coding change: c.2484G>A on transcript NM_004766.3 (MANE Select); coding-DNA position 2484, G replaced by A.
Protein change: p.Thr828=; no amino-acid change (threonine 828 retained).
Molecular consequence: synonymous variant. On other transcripts: non-coding transcript variant (1).
Genome position (GRCh38, 1-based): chr3:139,358,998, C>T on the plus strand (G>A on the coding strand, the complement: COPB2 is on the minus strand). VCF-style: chr3-139358998-C-T. GRCh37 (hg19) VCF-style: chr3-139077840-C-T.
Identifiers: ClinVar variation 1363289 (VCV001363289.7), dbSNP rs1162553959, ClinGen allele CA435889463.